The following is an entry in ClinVar:

NM_022124.6(CDH23):c.7136C>T (p.Ser2379Phe)

Gene: CDH23 (cadherin related 23; plus strand). Cytogenetic location: 10q22.1.
Variant type: single nucleotide variant.
Coding change: c.7136C>T on transcript NM_022124.6 (MANE Select); coding-DNA position 7136, C replaced by T.
Protein change: p.Ser2379Phe; replaces serine 2379 with phenylalanine.
Molecular consequence: missense variant.
Genome position (GRCh38, 1-based): chr10:71,799,192, C>T. VCF-style: chr10-71799192-C-T. GRCh37 (hg19) VCF-style: chr10-73558949-C-T.
Other names: c.416C>T, p.Ser139Phe (NM_001171933.1, NM_001171934.1); short protein forms S139F, S2379F.
Identifiers: ClinVar variation 1405007 (VCV001405007.5), dbSNP rs567929118, ClinGen allele CA5546270.

ClinVar aggregate classification (germline): Uncertain significance (1 of 4 stars; one submission).

Allele frequency attached by ClinVar (database versions not stated): ExAC 0.00001.
gnomAD v4.1: 10 of 1,613,930 alleles (0.00062%); highest among the groups gnomAD compares: Admixed American, 0.005%; no homozygotes.

Submission:

Labcorp Genetics (formerly Invitae), Labcorp
Classification: Uncertain significance. Last evaluated: 2021-08-20. Review status: criteria provided, single submitter. Criteria: Invitae Variant Classification Sherloc (09022015). Collection method: clinical testing. Allele origin: germline.
Comment: This sequence change replaces serine with phenylalanine at codon 2379 of the CDH23 protein (p.Ser2379Phe). The serine residue is highly conserved and there is a large physicochemical difference between serine and phenylalanine. This variant is present in population databases (rs567929118, ExAC 0.001%). This variant has not been reported in the literature in individuals affected with CDH23-related conditions. Algorithms developed to predict the effect of missense changes on protein structure and function are either unavailable or do not agree on the potential impact of this missense change (SIFT: "Deleterious"; PolyPhen-2: "Not Available"; Align-GVGD: "Class C65"). In summary, the available evidence is currently insufficient to determine the role of this variant in disease. Therefore, it has been classified as a Variant of Uncertain Significance.